The following is an entry in ClinVar:

ClinVar aggregate classification (germline): Uncertain significance. Review status: criteria provided, multiple submitters, no conflicts (2 of 4 stars). 2 submissions from 2 submitters: Uncertain significance (2). Last evaluated 2024-05-29.

Conditions:
Type 2 diabetes mellitus. Also called: Type II diabetes mellitus. Identifiers: MedGen C0011860, MeSH D003924, MONDO:0005148, OMIM 125853, HP:0005978.
Maturity-onset diabetes of the young type 1. Also called: MILD JUVENILE DIABETES MELLITUS; MODY type 1; Diabetes mellitus MODY type 1; MODY HNF4A related; HNF4A-Related Maturity-Onset Diabetes of the Young Type 1; MODY, type I. Identifiers: Orphanet 552, MedGen C1852093, MONDO:0007452, OMIM 125850. Disease mechanism: loss of function.
Fanconi renotubular syndrome 4 with maturity-onset diabetes of the young (FRTS4). Also called: FRTS4 WITH MODY. Identifiers: Orphanet 93111, MedGen C4014962, MONDO:0014458, OMIM 616026.

gnomAD v4.1: 2 of 1,613,962 alleles (0.00012%); no homozygotes.

Submissions (2):

Fulgent Genetics
Classification: Uncertain significance for Maturity-onset diabetes of the young type 1; Type 2 diabetes mellitus; Fanconi renotubular syndrome 4 with maturity-onset diabetes of the young. Last evaluated: 2024-05-29. Review status: criteria provided, single submitter. Criteria: ACMG Guidelines, 2015. Collection method: clinical testing. Allele origin: germline.

Labcorp Genetics (formerly Invitae), Labcorp
Classification: Uncertain significance. Last evaluated: 2023-06-17. Review status: criteria provided, single submitter. Criteria: Invitae Variant Classification Sherloc (09022015). Collection method: clinical testing. Allele origin: germline.
Comment: This sequence change replaces glutamic acid, which is acidic and polar, with lysine, which is basic and polar, at codon 331 of the HNF4A protein (p.Glu331Lys). This variant is not present in population databases (gnomAD no frequency). This variant has not been reported in the literature in individuals affected with HNF4A-related conditions. Advanced modeling of protein sequence and biophysical properties (such as structural, functional, and spatial information, amino acid conservation, physicochemical variation, residue mobility, and thermodynamic stability) has been performed at Invitae for this missense variant, however the output from this modeling did not meet the statistical confidence thresholds required to predict the impact of this variant on HNF4A protein function. In summary, the available evidence is currently insufficient to determine the role of this variant in disease. Therefore, it has been classified as a Variant of Uncertain Significance.

NM_175914.5(HNF4A):c.991G>A (p.Glu331Lys)

Gene: HNF4A (hepatocyte nuclear factor 4 alpha; plus strand). Cytogenetic location: 20q13.12.
Variant type: single nucleotide variant.
Coding change: c.991G>A on transcript NM_175914.5 (MANE Select); coding-DNA position 991, G replaced by A.
Protein change: p.Glu331Lys; replaces glutamic acid 331 with lysine.
Molecular consequence: missense variant.
Genome position (GRCh38, 1-based): chr20:44,424,182, G>A. VCF-style: chr20-44424182-G-A. GRCh37 (hg19) VCF-style: chr20-43052822-G-A.
Other names: c.1057G>A, p.Glu353Lys (NM_000457.6, NM_178849.3, NM_178850.3); c.991G>A, p.Glu331Lys (NM_001030003.3, NM_001030004.3); c.1036G>A, p.Glu346Lys (NM_001258355.2); c.982G>A, p.Glu328Lys (NM_001287182.2, NM_001287183.2, NM_001287184.2); short protein forms E331K, E328K, E346K, E353K.
Identifiers: ClinVar variation 2793993 (VCV002793993.4), dbSNP rs759399251, ClinGen allele CA409108513.